The following is an entry in ClinVar:

ClinVar aggregate classification (germline): Pathogenic (1 of 4 stars; one submission).

Conditions:
Peroxisome biogenesis disorder, complementation group 7 (CG7). Also called: Peroxisome biogenesis disorder, complementation group B. Identifiers: MedGen C1864399.

Submission:

Labcorp Genetics (formerly Invitae), Labcorp
Classification: Pathogenic for Peroxisome biogenesis disorder, complementation group 7. Last evaluated: 2021-04-13. Review status: criteria provided, single submitter. Criteria: Invitae Variant Classification Sherloc (09022015). Collection method: clinical testing. Allele origin: germline.
Comment: For these reasons, this variant has been classified as Pathogenic. Disruption of the initiator codon has been observed in individual(s) with clinical features of Zellweger spectrum disorder (PMID: 25179809, 28320181). It has also been observed to segregate with disease in related individuals. The frequency data for this variant in the population databases is considered unreliable, as metrics indicate insufficient coverage at this position in the ExAC database. This sequence change affects the initiator methionine of the PEX10 mRNA. The next in-frame methionine is located at codon 145.

Literature cited by the submitters: PubMed 25179809; PubMed 28320181.

NM_002617.4(PEX10):c.1A>T (p.Met1Leu)

Gene: PEX10 (peroxisomal biogenesis factor 10; minus strand). Cytogenetic location: 1p36.32.
Variant type: single nucleotide variant.
Coding change: c.1A>T on transcript NM_002617.4 (MANE Select); coding-DNA position 1, A replaced by T.
Protein change: p.Met1Leu; changes the start codon (methionine 1).
Molecular consequence: missense variant, initiator codon variant. On other transcripts: intron variant (2).
Genome position (GRCh38, 1-based): chr1:2,412,502, T>A on the plus strand (A>T on the coding strand, the complement: PEX10 is on the minus strand). VCF-style: chr1-2412502-T-A. GRCh37 (hg19) VCF-style: chr1-2343941-T-A.
Other names: c.1A>T, p.Met1Leu (NM_001374425.1, NM_153818.2); c.-321+1095A>T (NM_001374427.1, NM_001374426.1); short protein forms M1L.
Identifiers: ClinVar variation 1410903 (VCV001410903.8), dbSNP rs886041314, ClinGen allele CA337990818.